The following is an entry in ClinVar:

NM_182476.3(COQ6):c.446T>C (p.Met149Thr)

Genes: COQ6 (coenzyme Q6, monooxygenase; plus strand), ENTPD5 (ectonucleoside triphosphate diphosphohydrolase 5; minus strand). Cytogenetic location: 14q24.3.
Variant type: single nucleotide variant.
Coding change: c.446T>C on transcript NM_182476.3 (MANE Select); coding-DNA position 446, T replaced by C.
Protein change: p.Met149Thr; replaces methionine 149 with threonine.
Molecular consequence: missense variant. On other transcripts: intron variant (3).
Genome position (GRCh38, 1-based): chr14:73,955,893, T>C. VCF-style: chr14-73955893-T-C. GRCh37 (hg19) VCF-style: chr14-74422596-T-C.
Other names: c.446T>C, p.Met149Thr (NM_001425255.1, NM_001425256.1); c.281T>C, p.Met94Thr (NM_001425257.1); c.371T>C, p.Met124Thr (NM_001425258.1, NM_182480.3); c.221T>C, p.Met74Thr (NM_001425259.1, NM_001425260.1, NM_001425261.1); c.119T>C, p.Met40Thr (NM_001425263.1); c.37T>C, p.Cys13Arg (NM_001425264.1, NM_001425265.1); c.357+384T>C (NM_001425262.1); c.1201-306A>G (NM_001382258.1); and 1 more; short protein forms C13R, M124T, M149T, M40T, M74T, M94T.
Identifiers: ClinVar variation 3362123 (VCV003362123.1).

ClinVar aggregate classification (germline): Uncertain significance (1 of 4 stars; one submission).

gnomAD v4.1: 13 of 1,614,184 alleles (0.00081%); highest among the groups gnomAD compares: East Asian, 0.0022%; no homozygotes.

Submission:

GeneDx
Classification: Uncertain significance. Last evaluated: 2023-05-30. Review status: criteria provided, single submitter. Criteria: GeneDx Variant Classification Process June 2021. Collection method: clinical testing. Allele origin: germline. Affected: yes.
Comment: Not observed at significant frequency in large population cohorts (gnomAD); In silico analysis supports that this missense variant has a deleterious effect on protein structure/function; Has not been previously published as pathogenic or benign to our knowledge